The following is an entry in ClinVar:

ClinVar aggregate classification (germline): Pathogenic (1 of 4 stars; one submission).

gnomAD v4.1: 1 of 1,612,132 alleles (0.000062%); highest among the groups gnomAD compares: Non-Finnish European, 0.000085%; no homozygotes.

Submission:

Labcorp Genetics (formerly Invitae), Labcorp
Classification: Pathogenic. Last evaluated: 2022-11-29. Review status: criteria provided, single submitter. Criteria: Invitae Variant Classification Sherloc (09022015). Collection method: clinical testing. Allele origin: germline.
Comment: This sequence change creates a premature translational stop signal (p.Gln1533*) in the PCNT gene. It is expected to result in an absent or disrupted protein product. Loss-of-function variants in PCNT are known to be pathogenic (PMID: 18174396, 22821869). This variant is present in population databases (no rsID available, gnomAD 0.0009%). This variant has not been reported in the literature in individuals affected with PCNT-related conditions. For these reasons, this variant has been classified as Pathogenic.

Literature cited by the submitters: PubMed 18174396; PubMed 22821869.

NM_006031.6(PCNT):c.4597C>T (p.Gln1533Ter)

Gene: PCNT (pericentrin; plus strand). Cytogenetic location: 21q22.3.
Variant type: single nucleotide variant.
Coding change: c.4597C>T on transcript NM_006031.6 (MANE Select); coding-DNA position 4597, C replaced by T.
Protein change: p.Gln1533Ter; replaces glutamine 1533 with a stop codon.
Molecular consequence: nonsense.
Genome position (GRCh38, 1-based): chr21:46,399,602, C>T. VCF-style: chr21-46399602-C-T. GRCh37 (hg19) VCF-style: chr21-47819516-C-T.
Other names: c.4243C>T, p.Gln1415Ter (NM_001315529.2); short protein forms Q1415*, Q1533*.
Identifiers: ClinVar variation 2817274 (VCV002817274.3), dbSNP rs1379638059, ClinGen allele CA410579771.